The following is an entry in ClinVar:

NM_000455.5(STK11):c.1180G>T (p.Gly394Cys)

Gene: STK11 (serine/threonine kinase 11; plus strand). Cytogenetic location: 19p13.3.
Variant type: single nucleotide variant.
Coding change: c.1180G>T on transcript NM_000455.5 (MANE Select); coding-DNA position 1180, G replaced by T.
Protein change: p.Gly394Cys; replaces glycine 394 with cysteine.
Molecular consequence: missense variant.
Genome position (GRCh38, 1-based): chr19:1,226,525, G>T. VCF-style: chr19-1226525-G-T. GRCh37 (hg19) VCF-style: chr19-1226524-G-T.
Other names: short protein forms G394C.
Identifiers: ClinVar variation 818507 (VCV000818507.4), dbSNP rs768780695, ClinGen allele CA402953570.

ClinVar aggregate classification (germline): Uncertain significance (1 of 4 stars; one submission).

Conditions:
Hereditary cancer-predisposing syndrome. Also called: Tumor predisposition; Hereditary neoplastic syndrome; Neoplastic Syndromes, Hereditary; Hereditary Cancer Syndrome. Identifiers: Orphanet 140162, MedGen C0027672, MeSH D009386, MONDO:0015356.

gnomAD v4.1: 1 of 1,608,974 alleles (0.000062%); highest among the groups gnomAD compares: Non-Finnish European, 0.000085%; no homozygotes.

Submission:

Ambry Genetics
Classification: Uncertain significance for Hereditary cancer-predisposing syndrome. Last evaluated: 2018-07-26. Review status: criteria provided, single submitter. Criteria: Ambry Variant Classification Scheme 2023. Collection method: clinical testing. Allele origin: germline.
Comment: The p.G394C variant (also known as c.1180G>T), located in coding exon 9 of the STK11 gene, results from a G to T substitution at nucleotide position 1180. The glycine at codon 394 is replaced by cysteine, an amino acid with highly dissimilar properties. This amino acid position is highly conserved in available vertebrate species. In addition, the in silico prediction for this alteration is inconclusive. Since supporting evidence is limited at this time, the clinical significance of this alteration remains unclear.